The following is an entry in ClinVar:

ClinVar aggregate classification (germline): Uncertain significance (1 of 4 stars; one submission).

Conditions:
RASopathy. Also called: rasopathies; Noonan spectrum disorder. Identifiers: Orphanet 536391, MedGen C5555857, MONDO:0021060.

Submission:

Labcorp Genetics (formerly Invitae), Labcorp
Classification: Uncertain significance for RASopathy. Last evaluated: 2024-10-07. Review status: criteria provided, single submitter. Criteria: Invitae Variant Classification Sherloc (09022015). Collection method: clinical testing. Allele origin: germline.
Comment: This sequence change replaces histidine, which is basic and polar, with arginine, which is basic and polar, at codon 466 of the RAF1 protein (p.His466Arg). This variant is not present in population databases (gnomAD no frequency). This variant has not been reported in the literature in individuals affected with RAF1-related conditions. ClinVar contains an entry for this variant (Variation ID: 2113736). Invitae Evidence Modeling incorporating data from in vitro experimental studies (internal data) indicates that this missense variant is not expected to disrupt RAF1 function with a negative predictive value of 95%. In summary, the available evidence is currently insufficient to determine the role of this variant in disease. Therefore, it has been classified as a Variant of Uncertain Significance.

NM_002880.4(RAF1):c.1397A>G (p.His466Arg)

Gene: RAF1 (Raf-1 proto-oncogene, serine/threonine kinase; minus strand). Cytogenetic location: 3p25.2.
Variant type: single nucleotide variant.
Coding change: c.1397A>G on transcript NM_002880.4 (MANE Select); coding-DNA position 1397, A replaced by G.
Protein change: p.His466Arg; replaces histidine 466 with arginine.
Molecular consequence: missense variant. On other transcripts: non-coding transcript variant (3).
Genome position (GRCh38, 1-based): chr3:12,587,611, T>C on the plus strand (A>G on the coding strand, the complement: RAF1 is on the minus strand). VCF-style: chr3-12587611-T-C. GRCh37 (hg19) VCF-style: chr3-12629110-T-C.
Other names: c.1457A>G, p.His486Arg (NM_001354689.3); c.1397A>G, p.His466Arg (NM_001354690.3); c.1154A>G, p.His385Arg (NM_001354691.3, NM_001354692.3); c.1298A>G, p.His433Arg (NM_001354693.3); c.1214A>G, p.His405Arg (NM_001354694.3); c.1055A>G, p.His352Arg (NM_001354695.3); short protein forms H466R, H352R, H385R, H405R, H433R, H486R.
Identifiers: ClinVar variation 2113736 (VCV002113736.4), dbSNP rs2470205829, ClinGen allele CA351500423.